The following is an entry in ClinVar:

NM_001375380.1(EBF3):c.1391C>T (p.Thr464Ile)

Gene: EBF3 (EBF transcription factor 3; minus strand). Cytogenetic location: 10q26.3.
Variant type: single nucleotide variant.
Coding change: c.1391C>T on transcript NM_001375380.1 (MANE Select); coding-DNA position 1391, C replaced by T.
Protein change: p.Thr464Ile; replaces threonine 464 with isoleucine.
Molecular consequence: missense variant. On other transcripts: intron variant (1).
Genome position (GRCh38, 1-based): chr10:129,841,014, G>A on the plus strand (C>T on the coding strand, the complement: EBF3 is on the minus strand). VCF-style: chr10-129841014-G-A. GRCh37 (hg19) VCF-style: chr10-131639278-G-A.
Other names: c.1364C>T, p.Thr455Ile (NM_001005463.3, NM_001375390.1); c.1391C>T, p.Thr464Ile (NM_001375379.1, NM_001375389.1, NM_001375391.1); c.1346-572C>T (NM_001375392.1); short protein forms T455I, T464I.
Identifiers: ClinVar variation 3338604 (VCV003338604.1).

ClinVar aggregate classification (germline): Uncertain significance (1 of 4 stars; one submission).

Submission:

Greenwood Genetic Center Diagnostic Laboratories, Greenwood Genetic Center
Classification: Uncertain significance. Last evaluated: 2024-04-30. Review status: criteria provided, single submitter. Criteria: ACMG Guidelines, 2015. Collection method: clinical testing. Allele origin: germline. Affected: yes.
Comment: PM2, BP4, PP2